The following is an entry in ClinVar:

ClinVar aggregate classification (germline): Uncertain significance (1 of 4 stars; one submission).

Submission:

Labcorp Genetics (formerly Invitae), Labcorp
Classification: Uncertain significance. Last evaluated: 2022-09-23. Review status: criteria provided, single submitter. Criteria: Invitae Variant Classification Sherloc (09022015). Collection method: clinical testing. Allele origin: germline.
Comment: In summary, the available evidence is currently insufficient to determine the role of this variant in disease. Therefore, it has been classified as a Variant of Uncertain Significance. Experimental studies and prediction algorithms are not available or were not evaluated, and the functional significance of this variant is currently unknown. This variant has not been reported in the literature in individuals affected with HIKESHI-related conditions. This variant results in a copy number gain of the genomic region encompassing exon(s) 1 of the HIKESHI gene. This region includes the initiator codon of the gene. This copy number gain extends beyond the assayed region for this gene and therefore may encompass additional genes. As the precise location of this event is unknown, it may be in tandem or it may be located elsewhere in the genome.

NC_000011.9:g.(?_86013491)_(86013540_?)dup

Gene: HIKESHI (heat shock protein nuclear import factor hikeshi; plus strand). Cytogenetic location: 11q14.2.
Variant type: Duplication.
Identifiers: ClinVar variation 2426305 (VCV002426305.4).